The following is an entry in ClinVar:

NM_175614.5(NDUFA11):c.313+6T>C

Gene: NDUFA11 (NADH:ubiquinone oxidoreductase subunit A11; minus strand). Cytogenetic location: 19p13.3.
Variant type: single nucleotide variant.
Coding change: c.313+6T>C on transcript NM_175614.5 (MANE Select); 6 bases into the intron after coding-DNA position 313, T replaced by C.
Molecular consequence: intron variant.
Genome position (GRCh38, 1-based): chr19:5,896,447, A>G on the plus strand (T>C on the coding strand, the complement: NDUFA11 is on the minus strand). VCF-style: chr19-5896447-A-G. GRCh37 (hg19) VCF-style: chr19-5896458-A-G.
Other names: c.313+6T>C (NM_001193375.3).
Identifiers: ClinVar variation 1339569 (VCV001339569.9), dbSNP rs565009355, ClinGen allele CA9118945.

ClinVar aggregate classification (germline): Uncertain significance. Review status: criteria provided, multiple submitters, no conflicts (2 of 4 stars). 3 submissions from 3 submitters: Uncertain significance (2). 1 of the submissions does not count toward it. Last evaluated 2024-02-20.

Conditions:
Mitochondrial complex I deficiency, nuclear type 14. Also called: Mitochondrial complex 1 deficiency, nuclear type 14. Identifiers: MedGen C4748777, MONDO:0032619, OMIM 618236.

Allele frequency attached by ClinVar (database versions not stated): gnomAD exomes 0.00003 and 0.00014; gnomAD 0.00009 and 0.00010; TOPMed 0.00013; ExAC 0.00022; 1000 Genomes Project 0.00040; 1000 Genomes Project 30x 0.00047.
gnomAD v4.1: 61 of 1,567,098 alleles (0.0039%); highest among the groups gnomAD compares: East Asian, 0.12%; no homozygotes.

Submissions (3):

Fulgent Genetics
Classification: Uncertain significance for Mitochondrial complex I deficiency, nuclear type 14. Last evaluated: 2024-02-20. Review status: criteria provided, single submitter. Criteria: ACMG Guidelines, 2015. Collection method: clinical testing. Allele origin: germline.

Labcorp Genetics (formerly Invitae), Labcorp
Classification: Uncertain significance. Last evaluated: 2023-12-07. Review status: criteria provided, single submitter. Criteria: Invitae Variant Classification Sherloc (09022015). Collection method: clinical testing. Allele origin: germline.
Comment: This sequence change falls in intron 3 of the NDUFA11 gene. It does not directly change the encoded amino acid sequence of the NDUFA11 protein. It affects a nucleotide within the consensus splice site. This variant is present in population databases (rs565009355, gnomAD 0.2%). This variant has been observed in individual(s) with neonatal encephalopathy (PMID: 32712949). ClinVar contains an entry for this variant (Variation ID: 1339569). Variants that disrupt the consensus splice site are a relatively common cause of aberrant splicing (PMID: 17576681, 9536098). Algorithms developed to predict the effect of sequence changes on RNA splicing suggest that this variant may disrupt the consensus splice site. In summary, the available evidence is currently insufficient to determine the role of this variant in disease. Therefore, it has been classified as a Variant of Uncertain Significance.

Center for Molecular Medicine, Children’s Hospital of Fudan University
Classification: Uncertain significance for Mitochondrial complex I deficiency, nuclear type 14. Last evaluated: 2022-02-08. Review status: no assertion criteria provided. Collection method: clinical testing. Allele origin: unknown. Affected: yes. Not counted in ClinVar's aggregate classification.

Literature cited by the submitters: PubMed 32712949 (cited by Labcorp Genetics (formerly Invitae), Labcorp); PubMed 17576681 (cited by Labcorp Genetics (formerly Invitae), Labcorp); PubMed 9536098 (cited by Labcorp Genetics (formerly Invitae), Labcorp).